The following is an entry in ClinVar:

ClinVar aggregate classification (germline): Pathogenic (1 of 4 stars; one submission).

Submission:

Labcorp Genetics (formerly Invitae), Labcorp
Classification: Pathogenic. Last evaluated: 2024-09-06. Review status: criteria provided, single submitter. Criteria: Invitae Variant Classification Sherloc (09022015). Collection method: clinical testing. Allele origin: germline.
Comment: This variant results in the deletion of part of exon 84 (c.17912_17973+12del ) of the ADGRV1 gene. It is expected to disrupt RNA splicing. Variants that disrupt the donor or acceptor splice site typically lead to a loss of protein function (PMID: 16199547), and loss-of-function variants in ADGRV1 are known to be pathogenic (PMID: 19357117, 22135276, 22147658, 26226137, 30718709, 31047384, 32467589). This variant is not present in population databases (gnomAD no frequency). This variant has not been reported in the literature in individuals affected with ADGRV1-related conditions. This variant disrupts a region of the ADGRV1 protein in which other variant(s) (p.His5978Arg) have been determined to be pathogenic (PMID: 22147658, 30459346). This suggests that this is a clinically significant region of the protein, and that variants that disrupt it are likely to be disease-causing. For these reasons, this variant has been classified as Pathogenic.

Literature cited by the submitters: PubMed 16199547; PubMed 19357117; PubMed 22135276; PubMed 22147658; PubMed 26226137; PubMed 30718709; PubMed 31047384; PubMed 32467589; PubMed 30459346.

NM_032119.4(ADGRV1):c.17912_17973+12del

Gene: ADGRV1 (adhesion G protein-coupled receptor V1; plus strand). Cytogenetic location: 5q14.3.
Variant type: Deletion.
Coding change: c.17912_17973+12del on transcript NM_032119.4 (MANE Select); coding-DNA position 17912 through 12 bases into the intron after coding-DNA position 17973, 74 bases deleted.
Molecular consequence: splice donor variant.
Genome position (GRCh38, 1-based): chr5:90,965,470-90,965,543, 74 bases deleted. GRCh37 (hg19): chr5:90,261,287-90,261,360.
Identifiers: ClinVar variation 3644998 (VCV003644998.2).